The following is an entry in ClinVar:

ClinVar aggregate classification (germline): Benign/Likely benign. Review status: criteria provided, multiple submitters, no conflicts (2 of 4 stars). 8 submissions from 8 submitters: Benign (2); Likely benign (3). 3 of the submissions do not count toward it. Last evaluated 2026-09-01.

Allele frequency attached by ClinVar (database versions not stated): 1000 Genomes Project 30x 0.00109; 1000 Genomes Project 0.00140; ExAC 0.00257; gnomAD 0.00283 and 0.00290; gnomAD exomes 0.00287 and 0.00407; TOPMed 0.00293; ESP Exome Variant Server 0.00369.
gnomAD v4.1: 6,322 of 1,614,170 alleles (0.39%); highest among the groups gnomAD compares: Admixed American, 0.47%; 19 homozygotes.

Submissions (8):

CeGaT Center for Human Genetics Tuebingen
Classification: Likely benign. Last evaluated: 2026-09-01. Review status: criteria provided, single submitter. Criteria: CeGaT Center For Human Genetics Tuebingen Variant Classification Criteria Version 2. Collection method: clinical testing. Allele origin: germline. Affected: yes. Observed: 18 variant alleles.
Comment: SRCAP: BS2

Labcorp Genetics (formerly Invitae), Labcorp
Classification: Likely benign. Last evaluated: 2026-01-20. Review status: criteria provided, single submitter. Criteria: Invitae Variant Classification Sherloc (09022015). Collection method: clinical testing. Allele origin: germline.

Blueprint Genetics
Classification: Likely benign. Last evaluated: 2024-11-24. Review status: criteria provided, single submitter. Criteria: ACMG Guidelines, 2015. Collection method: clinical testing. Allele origin: germline.

Eurofins Ntd Llc (ga)
Classification: Benign. Last evaluated: 2015-03-03. Review status: criteria provided, single submitter. Criteria: EGL Classification Definitions 2015. Collection method: clinical testing. Allele origin: germline. Observed: 1 variant allele, 1 heterozygote.

PreventionGenetics, part of Exact Sciences
Classification: Benign. Review status: criteria provided, single submitter. Criteria: ACMG Guidelines, 2015. Collection method: clinical testing. Allele origin: germline.

Clinical Genetics DNA and cytogenetics Diagnostics Lab, Erasmus MC, Erasmus Medical Center
Classification: Likely benign. Review status: no assertion criteria provided. Collection method: clinical testing. Allele origin: germline. Affected: yes. Study: VKGL Data-share Consensus. Not counted in ClinVar's aggregate classification.

Diagnostic Laboratory, Department of Genetics, University Medical Center Groningen
Classification: Likely benign. Review status: no assertion criteria provided. Collection method: clinical testing. Allele origin: germline. Affected: yes. Study: VKGL Data-share Consensus. Not counted in ClinVar's aggregate classification.

Genome Diagnostics Laboratory, University Medical Center Utrecht
Classification: Likely benign. Review status: no assertion criteria provided. Collection method: clinical testing. Allele origin: germline. Affected: yes. Study: VKGL Data-share Consensus. Not counted in ClinVar's aggregate classification.

NM_006662.3(SRCAP):c.3388C>T (p.Pro1130Ser)

Gene: SRCAP (Snf2 related CREBBP activator protein; plus strand). Cytogenetic location: 16p11.2.
Variant type: single nucleotide variant.
Coding change: c.3388C>T on transcript NM_006662.3 (MANE Select); coding-DNA position 3388, C replaced by T.
Protein change: p.Pro1130Ser; replaces proline 1130 with serine.
Molecular consequence: missense variant.
Genome position (GRCh38, 1-based): chr16:30,721,323, C>T. VCF-style: chr16-30721323-C-T. GRCh37 (hg19) VCF-style: chr16-30732644-C-T.
Other names: short protein forms P1130S.
Identifiers: ClinVar variation 195606 (VCV000195606.45), dbSNP rs143519723, ClinGen allele CA201853.